The following is an entry in ClinVar:

ClinVar aggregate classification (germline): Uncertain significance (1 of 4 stars; one submission).

gnomAD v4.1: 6 of 1,613,506 alleles (0.00037%); highest among the groups gnomAD compares: Non-Finnish European, 0.00042%; no homozygotes.

Submission:

Labcorp Genetics (formerly Invitae), Labcorp
Classification: Uncertain significance. Last evaluated: 2024-11-04. Review status: criteria provided, single submitter. Criteria: Invitae Variant Classification Sherloc (09022015). Collection method: clinical testing. Allele origin: germline.
Comment: This sequence change replaces glycine, which is neutral and non-polar, with arginine, which is basic and polar, at codon 350 of the RIN2 protein (p.Gly350Arg). This variant is present in population databases (rs777702758, gnomAD 0.003%). This variant has not been reported in the literature in individuals affected with RIN2-related conditions. Experimental studies and prediction algorithms are not available or were not evaluated, and the functional significance of this variant is currently unknown. In summary, the available evidence is currently insufficient to determine the role of this variant in disease. Therefore, it has been classified as a Variant of Uncertain Significance.

NM_018993.4(RIN2):c.1048G>A (p.Gly350Arg)

Gene: RIN2 (Ras and Rab interactor 2; plus strand). Cytogenetic location: 20p11.23.
Variant type: single nucleotide variant.
Coding change: c.1048G>A on transcript NM_018993.4 (MANE Select); coding-DNA position 1048, G replaced by A.
Protein change: p.Gly350Arg; replaces glycine 350 with arginine.
Molecular consequence: missense variant.
Genome position (GRCh38, 1-based): chr20:19,975,073, G>A. VCF-style: chr20-19975073-G-A. GRCh37 (hg19) VCF-style: chr20-19955717-G-A.
Other names: c.1195G>A, p.Gly399Arg (NM_001242581.2); c.430G>A, p.Gly144Arg (NM_001378238.1); short protein forms G350R, G399R, G144R.
Identifiers: ClinVar variation 3723522 (VCV003723522.2).